The following is an entry in ClinVar:

NM_000179.3(MSH6):c.845T>C (p.Val282Ala)

Gene: MSH6 (mutS homolog 6; plus strand). Cytogenetic location: 2p16.3.
Variant type: single nucleotide variant.
Coding change: c.845T>C on transcript NM_000179.3 (MANE Select); coding-DNA position 845, T replaced by C.
Protein change: p.Val282Ala; replaces valine 282 with alanine.
Molecular consequence: missense variant. On other transcripts: 5 prime UTR variant (9), non-coding transcript variant (4), intron variant (1).
Genome position (GRCh38, 1-based): chr2:47,798,828, T>C. VCF-style: chr2-47798828-T-C. GRCh37 (hg19) VCF-style: chr2-48025967-T-C.
Other names: c.455T>C, p.Val152Ala (NM_001281492.2); c.-62T>C (NM_001281493.2, NM_001281494.2, NM_001406811.1 and 6 more transcripts); c.941T>C, p.Val314Ala (NM_001406795.1, NM_001406802.1); c.845T>C, p.Val282Ala (NM_001406796.1, NM_001406798.1, NM_001406800.1 and 4 more transcripts); c.548T>C, p.Val183Ala (NM_001406797.1, NM_001406801.1, NM_001406805.1 and 10 more transcripts); c.320T>C, p.Val107Ala (NM_001406799.1, NM_001406806.1, NM_001406807.1); c.767T>C, p.Val256Ala (NM_001406804.1); c.851T>C, p.Val284Ala (NM_001406813.1); and 2 more; short protein forms V256A, V107A, V284A, V152A, V226A, V314A, V183A, V282A.
Identifiers: ClinVar variation 3633916 (VCV003633916.3).

ClinVar aggregate classification (germline): Uncertain significance. Review status: criteria provided, multiple submitters, no conflicts (2 of 4 stars). 2 submissions from 2 submitters: Uncertain significance (2). Last evaluated 2025-06-28.

Conditions:
Hereditary nonpolyposis colorectal neoplasms. Identifiers: MedGen C0009405, MeSH D003123.
Hereditary cancer-predisposing syndrome. Also called: Neoplastic Syndromes, Hereditary; Tumor predisposition; Hereditary Cancer Syndrome; Hereditary neoplastic syndrome. Identifiers: Orphanet 140162, MedGen C0027672, MeSH D009386, MONDO:0015356.

Submissions (2):

Ambry Genetics
Classification: Uncertain significance for Hereditary cancer-predisposing syndrome. Last evaluated: 2025-06-28. Review status: criteria provided, single submitter. Criteria: Ambry Variant Classification Scheme 2023. Collection method: clinical testing. Allele origin: germline.
Comment: The p.V282A variant (also known as c.845T>C), located in coding exon 4 of the MSH6 gene, results from a T to C substitution at nucleotide position 845. The valine at codon 282 is replaced by alanine, an amino acid with similar properties. This amino acid position is conserved. In addition, this alteration is predicted to be tolerated by in silico analysis. Based on the available evidence, the clinical significance of this variant remains unclear.

Labcorp Genetics (formerly Invitae), Labcorp
Classification: Uncertain significance for Hereditary nonpolyposis colorectal neoplasms. Last evaluated: 2024-07-08. Review status: criteria provided, single submitter. Criteria: Invitae Variant Classification Sherloc (09022015). Collection method: clinical testing. Allele origin: germline.
Comment: This sequence change replaces valine, which is neutral and non-polar, with alanine, which is neutral and non-polar, at codon 282 of the MSH6 protein (p.Val282Ala). This variant is not present in population databases (gnomAD no frequency). This variant has not been reported in the literature in individuals affected with MSH6-related conditions. Advanced modeling of protein sequence and biophysical properties (such as structural, functional, and spatial information, amino acid conservation, physicochemical variation, residue mobility, and thermodynamic stability) performed at Invitae indicates that this missense variant is not expected to disrupt MSH6 protein function with a negative predictive value of 95%. In summary, the available evidence is currently insufficient to determine the role of this variant in disease. Therefore, it has been classified as a Variant of Uncertain Significance.